The following is an entry in ClinVar:

ClinVar aggregate classification (germline): Uncertain significance (1 of 4 stars; one submission).

Conditions:
MHC class II deficiency. Also called: BLS, TYPE II; Bare lymphocyte syndrome 2. Identifiers: Orphanet 572, MedGen C5447452, MONDO:0008855.

Allele frequency attached by ClinVar (database versions not stated): gnomAD exomes 0.00002 and 0.00003; TOPMed 0.00002; ExAC 0.00004; ESP Exome Variant Server 0.00008; gnomAD 0.00001.
gnomAD v4.1: 29 of 1,614,068 alleles (0.0018%); highest among the groups gnomAD compares: Middle Eastern, 0.016%; no homozygotes.

Submission:

Labcorp Genetics (formerly Invitae), Labcorp
Classification: Uncertain significance for MHC class II deficiency. Last evaluated: 2021-08-26. Review status: criteria provided, single submitter. Criteria: Invitae Variant Classification Sherloc (09022015). Collection method: clinical testing. Allele origin: germline.
Comment: This sequence change replaces proline with leucine at codon 1069 of the CIITA protein (p.Pro1069Leu). The proline residue is highly conserved and there is a moderate physicochemical difference between proline and leucine. This variant is present in population databases (rs147935554, ExAC 0.01%). This variant has not been reported in the literature in individuals affected with CIITA-related conditions. Algorithms developed to predict the effect of missense changes on protein structure and function are either unavailable or do not agree on the potential impact of this missense change (SIFT: "Deleterious"; PolyPhen-2: "Probably Damaging"; Align-GVGD: "Class C0"). In summary, the available evidence is currently insufficient to determine the role of this variant in disease. Therefore, it has been classified as a Variant of Uncertain Significance.

NM_000246.4(CIITA):c.3206C>T (p.Pro1069Leu)

Gene: CIITA (class II major histocompatibility complex transactivator; plus strand). Cytogenetic location: 16p13.13.
Variant type: single nucleotide variant.
Coding change: c.3206C>T on transcript NM_000246.4 (MANE Select); coding-DNA position 3206, C replaced by T.
Protein change: p.Pro1069Leu; replaces proline 1069 with leucine.
Molecular consequence: missense variant. On other transcripts: non-coding transcript variant (1).
Genome position (GRCh38, 1-based): chr16:10,922,223, C>T. VCF-style: chr16-10922223-C-T. GRCh37 (hg19) VCF-style: chr16-11016080-C-T.
Other names: c.3209C>T, p.Pro1070Leu (NM_001286402.1, NM_001379332.1); c.1454C>T, p.Pro485Leu (NM_001286403.2); c.3062C>T, p.Pro1021Leu (NM_001379330.1); c.3059C>T, p.Pro1020Leu (NM_001379331.1); c.3206C>T, p.Pro1069Leu (NM_001379333.1); c.3137C>T, p.Pro1046Leu (NM_001379334.1); short protein forms P1021L, P1020L, P1070L, P485L, P1046L, P1069L.
Identifiers: ClinVar variation 1432235 (VCV001432235.5), dbSNP rs147935554, ClinGen allele CA7900724.